The following is an entry in ClinVar:

ClinVar aggregate classification (germline): Likely benign (0 of 4 stars; one submission).

Conditions:
PXDNL-related disorder. Also called: PXDNL-related condition.

Allele frequency attached by ClinVar (database versions not stated): 1000 Genomes Project 0.00060; 1000 Genomes Project 30x 0.00062; gnomAD 0.00167; TOPMed 0.00204; ESP Exome Variant Server 0.00241.
gnomAD v4.1: 576 of 1,613,078 alleles (0.036%); highest among the groups gnomAD compares: African/African-American, 0.59%; 2 homozygotes.

Submission:

PreventionGenetics, part of Exact Sciences
Classification: Likely benign for PXDNL-related condition. Last evaluated: 2019-08-13. Review status: no assertion criteria provided. Collection method: clinical testing. Allele origin: germline.
Comment: This variant is classified as likely benign based on ACMG/AMP sequence variant interpretation guidelines (Richards et al. 2015 PMID: 25741868, with internal and published modifications).

NM_144651.5(PXDNL):c.1848T>C (p.Asp616=)

Gene: PXDNL (peroxidasin like; minus strand). Cytogenetic location: 8q11.22.
Variant type: single nucleotide variant.
Coding change: c.1848T>C on transcript NM_144651.5 (MANE Select); coding-DNA position 1848, T replaced by C.
Protein change: p.Asp616=; no amino-acid change (aspartic acid 616 retained).
Molecular consequence: synonymous variant.
Genome position (GRCh38, 1-based): chr8:51,413,206, A>G on the plus strand (T>C on the coding strand, the complement: PXDNL is on the minus strand). VCF-style: chr8-51413206-A-G. GRCh37 (hg19) VCF-style: chr8-52325766-A-G.
Identifiers: ClinVar variation 3052474 (VCV003052474.2), dbSNP rs114874273, ClinGen allele CA4745216.